The following is an entry in ClinVar:

NM_001042492.3(NF1):c.6600del (p.Ser2201fs)

Gene: NF1 (neurofibromin 1; plus strand). Cytogenetic location: 17q11.2.
Variant type: Deletion.
Coding change: c.6600del on transcript NM_001042492.3 (MANE Select); coding-DNA position 6600, one base deleted (A; older notation c.6600delA).
Protein change: p.Ser2201fs; shifts the reading frame from serine 2201.
Molecular consequence: frameshift variant.
Genome position (GRCh38, 1-based): chr17:31,337,540, A deleted. VCF-style (leftmost placement, unchanged base first): chr17-31337539-CA-C. GRCh37 (hg19) VCF-style: chr17-29664557-CA-C.
Other names: c.6537delA, p.Ser2180Profs (NM_000267.4); c.6600delA, p.Ser2201Profs (NM_001042492.2); short protein forms S2180fs, S2201fs.
Identifiers: ClinVar variation 431677 (VCV000431677.4), dbSNP rs1135402892, ClinGen allele CA645373107.

ClinVar aggregate classification (germline): Pathogenic. Review status: criteria provided, single submitter (1 of 4 stars). 2 submissions from 2 submitters: Pathogenic (1). 1 of the submissions does not count toward it. Last evaluated 2023-12-14.

Conditions:
Neurofibromatosis, type 1 (NF1). Also called: Neurofibromatosis, type I; NEUROFIBROMATOSIS, TYPE I, SOMATIC; Peripheral type neurofibromatosis; VON RECKLINGHAUSEN DISEASE. Identifiers: Orphanet 636, MedGen C0027831, MONDO:0018975, OMIM 162200. Disease mechanism: loss of function.

Submissions (2):

Labcorp Genetics (formerly Invitae), Labcorp
Classification: Pathogenic for Neurofibromatosis, type 1. Last evaluated: 2023-12-14. Review status: criteria provided, single submitter. Criteria: Invitae Variant Classification Sherloc (09022015). Collection method: clinical testing. Allele origin: germline.
Comment: This sequence change creates a premature translational stop signal (p.Ser2180Profs*17) in the NF1 gene. It is expected to result in an absent or disrupted protein product. Loss-of-function variants in NF1 are known to be pathogenic (PMID: 10712197, 23913538). This variant is not present in population databases (gnomAD no frequency). This premature translational stop signal has been observed in individual(s) with neurofibromatosis type I (PMID: 28961165). ClinVar contains an entry for this variant (Variation ID: 431677). For these reasons, this variant has been classified as Pathogenic.

Medical Genetics, University of Parma
Classification: Likely pathogenic for Neurofibromatosis type 1. Last evaluated: 2017-02-02. Review status: no assertion criteria provided. Collection method: clinical testing. Allele origin: germline. Affected: yes. Not counted in ClinVar's aggregate classification.

Literature cited by the submitters: PubMed 10712197 (cited by Labcorp Genetics (formerly Invitae), Labcorp); PubMed 23913538 (cited by Labcorp Genetics (formerly Invitae), Labcorp); PubMed 28961165 (cited by Labcorp Genetics (formerly Invitae), Labcorp).